The following is an entry in ClinVar:

NM_014000.3(VCL):c.1940C>T (p.Ala647Val)

Gene: VCL (vinculin; plus strand). Cytogenetic location: 10q22.2.
Variant type: single nucleotide variant.
Coding change: c.1940C>T on transcript NM_014000.3 (MANE Select); coding-DNA position 1940, C replaced by T.
Protein change: p.Ala647Val; replaces alanine 647 with valine.
Molecular consequence: missense variant.
Genome position (GRCh38, 1-based): chr10:74,101,015, C>T. VCF-style: chr10-74101015-C-T. GRCh37 (hg19) VCF-style: chr10-75860773-C-T.
Other names: c.1940C>T, p.Ala647Val (NM_003373.4); short protein forms A647V.
Identifiers: ClinVar variation 452296 (VCV000452296.17), dbSNP rs534449109, ClinGen allele CA5563125.

ClinVar aggregate classification (germline): Uncertain significance. Review status: criteria provided, multiple submitters, no conflicts (2 of 4 stars). 8 submissions from 8 submitters: Uncertain significance (5). 3 of the submissions do not count toward it. Last evaluated 2026-01-18.

Conditions:
VCL-related disorder. Also called: VCL-related condition.
Cardiovascular phenotype. Identifiers: MedGen CN230736.
Hypertrophic cardiomyopathy 15. Identifiers: MedGen C2750459, MONDO:0013200, OMIM 613255.
Dilated cardiomyopathy 1W (CMD1W). Identifiers: Orphanet 154, MedGen C1969639, MONDO:0012667, OMIM 611407.

Allele frequency attached by ClinVar (database versions not stated): ExAC 0.00005; gnomAD exomes 0.00007 and 0.00003; gnomAD 0.00003; TOPMed 0.00003.
gnomAD v4.1: 107 of 1,613,830 alleles (0.0066%); highest among the groups gnomAD compares: Non-Finnish European, 0.0084%; no homozygotes.

Submissions (8):

Labcorp Genetics (formerly Invitae), Labcorp
Classification: Uncertain significance for Dilated cardiomyopathy 1W. Last evaluated: 2026-01-18. Review status: criteria provided, single submitter. Criteria: Invitae Variant Classification Sherloc (09022015). Collection method: clinical testing. Allele origin: germline.
Comment: This sequence change replaces alanine, which is neutral and non-polar, with valine, which is neutral and non-polar, at codon 647 of the VCL protein (p.Ala647Val). This variant is present in population databases (rs534449109, gnomAD 0.006%). This variant has not been reported in the literature in individuals affected with VCL-related conditions. ClinVar contains an entry for this variant (Variation ID: 452296). An algorithm developed to predict the effect of missense changes on protein structure and function (PolyPhen-2) suggests that this variant is likely to be disruptive. In summary, the available evidence is currently insufficient to determine the role of this variant in disease. Therefore, it has been classified as a Variant of Uncertain Significance.

PreventionGenetics, part of Exact Sciences
Classification: Uncertain significance for VCL-related condition. Last evaluated: 2025-08-18. Review status: criteria provided, single submitter. Criteria: ACMG Guidelines, 2015. Collection method: clinical testing. Allele origin: germline.
Comment: The VCL c.1940C>T variant is predicted to result in the amino acid substitution p.Ala647Val. This variant has been reported in cohort studies of individuals with hypertrophic cardiomyopathy (Supplementary table 1, Lopes et al. 2014. PubMed ID: 25351510; Supplementary table 2, Mademont-Soler et al. 2017. PubMed ID: 28771489). This variant is reported in 0.0062% of alleles in individuals of European (Non-Finnish) descent in gnomAD. At this time, the clinical significance of this variant is uncertain due to the absence of conclusive functional and genetic evidence.

GeneDx
Classification: Uncertain significance. Last evaluated: 2022-11-10. Review status: criteria provided, single submitter. Criteria: GeneDx Variant Classification Process June 2021. Collection method: clinical testing. Allele origin: germline. Affected: yes.
Comment: In silico analysis supports that this missense variant does not alter protein structure/function; This variant is associated with the following publications: (PMID: 28771489)

Ambry Genetics
Classification: Uncertain significance for Cardiovascular phenotype. Last evaluated: 2022-08-08. Review status: criteria provided, single submitter. Criteria: Ambry Variant Classification Scheme 2023. Collection method: clinical testing. Allele origin: germline.
Comment: The p.A647V variant (also known as c.1940C>T), located in coding exon 14 of the VCL gene, results from a C to T substitution at nucleotide position 1940. The alanine at codon 647 is replaced by valine, an amino acid with similar properties. This alteration has been reported in hypertrophic cardiomyopathy (HCM) cohorts; however, clinical details were limited (Lopes LR et al. Heart, 2015 Feb;101:294-301; Mademont-Soler I et al. PLoS ONE, 2017 Aug;12:e0181465). This amino acid position is highly conserved in available vertebrate species. In addition, the in silico prediction for this alteration is inconclusive. Since supporting evidence is limited at this time, the clinical significance of this alteration remains unclear.

Fulgent Genetics
Classification: Uncertain significance for Dilated cardiomyopathy 1W; Hypertrophic cardiomyopathy 15. Last evaluated: 2021-10-21. Review status: criteria provided, single submitter. Criteria: ACMG Guidelines, 2015. Collection method: clinical testing. Allele origin: unknown.

Clinical Genetics DNA and cytogenetics Diagnostics Lab, Erasmus MC, Erasmus Medical Center
Classification: Uncertain significance. Review status: no assertion criteria provided. Collection method: clinical testing. Allele origin: germline. Affected: yes. Study: VKGL Data-share Consensus. Not counted in ClinVar's aggregate classification.

Diagnostic Laboratory, Department of Genetics, University Medical Center Groningen
Classification: Uncertain significance. Review status: no assertion criteria provided. Collection method: clinical testing. Allele origin: germline. Affected: yes. Study: VKGL Data-share Consensus. Not counted in ClinVar's aggregate classification.

Joint Genome Diagnostic Labs from Nijmegen and Maastricht, Radboudumc and MUMC+
Classification: Uncertain significance. Review status: no assertion criteria provided. Collection method: clinical testing. Allele origin: germline. Affected: yes. Study: VKGL Data-share Consensus. Not counted in ClinVar's aggregate classification.

Literature cited by the submitters: PubMed 25351510 (cited by Ambry Genetics); PubMed 28771489 (cited by Ambry Genetics).